The following is an entry in ClinVar:

NM_024700.4(SNIP1):c.559C>T (p.Arg187Trp)

Genes: SNIP1 (Smad nuclear interacting protein 1; minus strand), LOC126805704 (BRD4-independent group 4 enhancer GRCh37_chr1:38005292-38006491; plus strand). Cytogenetic location: 1p34.3.
Variant type: single nucleotide variant.
Coding change: c.559C>T on transcript NM_024700.4 (MANE Select); coding-DNA position 559, C replaced by T.
Protein change: p.Arg187Trp; replaces arginine 187 with tryptophan.
Molecular consequence: missense variant.
Genome position (GRCh38, 1-based): chr1:37,540,524, G>A on the plus strand (C>T on the coding strand, the complement: SNIP1 is on the minus strand). VCF-style: chr1-37540524-G-A. GRCh37 (hg19) VCF-style: chr1-38006125-G-A.
Other names: short protein forms R187W.
Identifiers: ClinVar variation 376913 (VCV000376913.15), dbSNP rs186332019, ClinGen allele CA771307.

ClinVar aggregate classification (germline): Conflicting classifications of pathogenicity. Review status: criteria provided, conflicting classifications (1 of 4 stars). 3 submissions from 3 submitters: Uncertain significance (2); Likely benign (1). Last evaluated 2026-01-15.

Allele frequency attached by ClinVar (database versions not stated): ESP Exome Variant Server 0.00008; gnomAD 0.00012; gnomAD exomes 0.00012 and 0.00038; 1000 Genomes Project 30x 0.00016; 1000 Genomes Project 0.00020; ExAC 0.00023; TOPMed 0.00025.
gnomAD v4.1: 188 of 1,614,102 alleles (0.012%); highest among the groups gnomAD compares: Admixed American, 0.21%; 1 homozygote.

Submissions (3):

Labcorp Genetics (formerly Invitae), Labcorp
Classification: Likely benign. Last evaluated: 2026-01-15. Review status: criteria provided, single submitter. Criteria: Invitae Variant Classification Sherloc (09022015). Collection method: clinical testing. Allele origin: germline.

Women's Health and Genetics/Laboratory Corporation of America, LabCorp
Classification: Uncertain significance. Last evaluated: 2023-03-16. Review status: criteria provided, single submitter. Criteria: LabCorp Variant Classification Summary - May 2015. Collection method: clinical testing. Allele origin: germline.
Comment: Variant summary: SNIP1 c.559C>T (p.Arg187Trp) results in a non-conservative amino acid change in the encoded protein sequence. Three of five in-silico tools predict a damaging effect of the variant on protein function. The variant allele was found at a frequency of 0.00038 in 251470 control chromosomes, predominantly at a frequency of 0.0026 within the Latino subpopulation in the gnomAD database. To our knowledge, no occurrence of c.559C>T in individuals affected with Psychomotor Retardation, Epilepsy, And Craniofacial Dysmorphism and no experimental evidence demonstrating its impact on protein function have been reported. Two submitters have provided clinical-significance assessments for this variant to ClinVar after 2014 and classified the variant as likely benign and VUS. Based on the evidence outlined above, the variant was classified as uncertain significance.

Center for Pediatric Genomic Medicine, Children's Mercy Hospital and Clinics
Classification: Uncertain significance. Last evaluated: 2016-07-13. Review status: criteria provided, single submitter. Criteria: ACMG Guidelines, 2015. Collection method: clinical testing. Allele origin: germline.
ClinVar note: Converted during submission from Uncertain Significance to Uncertain significance.